The following is an entry in ClinVar:

ClinVar aggregate classification (germline): Uncertain significance (1 of 4 stars; one submission).

Conditions:
Cardiovascular phenotype. Identifiers: MedGen CN230736.

Submission:

Ambry Genetics
Classification: Uncertain significance for Cardiovascular phenotype. Last evaluated: 2024-01-26. Review status: criteria provided, single submitter. Criteria: Ambry Variant Classification Scheme 2023. Collection method: clinical testing. Allele origin: germline.
Comment: The c.229_255del27 variant (also known as p.R77_G85del) is located in coding exon 2 of the TTN gene. This variant results from an in-frame CGATATTCCCTGAAAGCCACCAATGGA deletion at nucleotide positions 229 to 255. This results in the in-frame deletion of 9 amino acids at codons 77 to 85. These amino acid positions are not well conserved in available vertebrate species. In addition, this alteration is predicted to be deleterious by in silico analysis (Choi Y et al. PLoS ONE. 2012; 7(10):e46688). Based on the available evidence, the clinical significance of this alteration remains unclear.

NM_001267550.2(TTN):c.229_255del (p.Arg77_Gly85del)

Gene: TTN (titin; minus strand). Cytogenetic location: 2q31.2.
Variant type: Deletion.
Coding change: c.229_255del on transcript NM_001267550.2 (MANE Select); coding-DNA positions 229 to 255, 27 bases deleted (CGATATTCCCTGAAAGCCACCAATGGA).
Protein change: p.Arg77_Gly85del.
Molecular consequence: inframe deletion.
Genome position (GRCh38, 1-based): chr2:178,802,178-178,802,204, TCCATTGGTGGCTTTCAGGGAATATCG deleted on the plus strand (CGATATTCCCTGAAAGCCACCAATGGA on the coding strand, the reverse complement: TTN is on the minus strand); deleting any 27 consecutive bases within chr2:178,802,178-178,802,208 gives the same sequence; the c. name uses the placement nearest the transcript's 3' end. VCF-style (leftmost placement, unchanged base first): chr2-178802177-ATCCATTGGTGGCTTTCAGGGAATATCG-A. GRCh37 (hg19) VCF-style: chr2-179666904-ATCCATTGGTGGCTTTCAGGGAATATCG-A.
Other names: c.229_255del, p.Arg77_Gly85del (NM_001256850.1, NM_003319.4, NM_133378.4 and 3 more transcripts); c.229_255del27 (NM_003319.4).
Identifiers: ClinVar variation 2541504 (VCV002541504.2), dbSNP rs1336271113, ClinGen allele CA538438448.
Genomic context (GRCh38, chr2:178,802,177, plus strand): 5'-GGCAGGTCCCCAGCAGCCTACCTTTCACGAGAAGCTCAGCAGTACTAGTCGCTTGTCCAG[ATCCATTGGTGGCTTTCAGGGAATATCG>A]TCCACTGTTGGCTTTAGTCACGGCGGGGATCGTCAGTTTAGCGCGGCCATCGCTAAAGGA-3'